The following is an entry in ClinVar:

NM_014049.5(ACAD9):c.928G>A (p.Val310Ile)

Genes: ACAD9 (acyl-CoA dehydrogenase family member 9; plus strand), LOC126806807 (BRD4-independent group 4 enhancer GRCh37_chr3:128620937-128622136; plus strand). Cytogenetic location: 3q21.3.
Variant type: single nucleotide variant.
Coding change: c.928G>A on transcript NM_014049.5 (MANE Select); coding-DNA position 928, G replaced by A.
Protein change: p.Val310Ile; replaces valine 310 with isoleucine.
Molecular consequence: missense variant. On other transcripts: non-coding transcript variant (1).
Genome position (GRCh38, 1-based): chr3:128,902,598, G>A. VCF-style: chr3-128902598-G-A. GRCh37 (hg19) VCF-style: chr3-128621441-G-A.
Other names: short protein forms V310I.
Identifiers: ClinVar variation 213989 (VCV000213989.69), dbSNP rs139073821, ClinGen allele CA321041.

ClinVar aggregate classification (germline): Conflicting classifications of pathogenicity. Review status: criteria provided, conflicting classifications (1 of 4 stars). 9 submissions from 9 submitters: Uncertain significance (4); Likely benign (3). 2 of the submissions do not count toward it. Last evaluated 2026-01-22.

Conditions:
ACAD9-related disorder. Also called: ACAD9-related condition.
Acyl-CoA dehydrogenase 9 deficiency. Also called: MITOCHONDRIAL COMPLEX I DEFICIENCY, NUCLEAR TYPE 20; Acyl-CoA dehydrogenase family, member 9, deficiency of. Identifiers: Orphanet 99901, MedGen C4747517, MONDO:0012624, OMIM 611126.

Allele frequency attached by ClinVar (database versions not stated): 1000 Genomes Project 0.00040; 1000 Genomes Project 30x 0.00047; ExAC 0.00062; gnomAD 0.00103 and 0.00112; TOPMed 0.00122; ESP Exome Variant Server 0.00154.

Submissions (9):

Labcorp Genetics (formerly Invitae), Labcorp
Classification: Likely benign. Last evaluated: 2026-01-22. Review status: criteria provided, single submitter. Criteria: Invitae Variant Classification Sherloc (09022015). Collection method: clinical testing. Allele origin: germline.

Mayo Clinic Laboratories, Mayo Clinic
Classification: Likely benign. Last evaluated: 2025-08-31. Review status: criteria provided, single submitter. Criteria: ACMG Guidelines, 2015. Collection method: clinical testing. Allele origin: germline. Observed: 9 variant alleles.
Comment: BS1

Blueprint Genetics
Classification: Likely benign. Last evaluated: 2024-11-21. Review status: criteria provided, single submitter. Criteria: ACMG Guidelines, 2015. Collection method: clinical testing. Allele origin: germline.

Clinical Genomics Laboratory, Stanford Medicine
Classification: Uncertain significance for Acyl-CoA dehydrogenase 9 deficiency. Last evaluated: 2022-08-22. Review status: criteria provided, single submitter. Criteria: ACMG Guidelines, 2015. Collection method: clinical testing. Allele origin: germline. Observed: 1 variant allele, 1 heterozygote.
Comment: The p.Val310Ile variant in the ACAD9 gene has not been previously reported in association with disease. This variant has been identified in 183/129,094 European non-Finnish chromosomes (204/282,764 chromosomes overall) by the Genome Aggregation Database. This allele frequency is higher than expected for a pathogenic variant. The valine at position 310 is poorly evolutionarily conserved and isoleucine is observed at this position in at least 2 vertebrate species. Computational tools do not predict that the p.Val310Ile variant is deleterious; however, the accuracy of in silico algorithms is limited. These data were assessed using the ACMG/AMP variant interpretation guidelines. In summary, the significance of the p.Val310Ile variant is uncertain. Additional information is needed to resolve the significance of this variant. [ACMG evidence codes used: BS1_Supporting]

Women's Health and Genetics/Laboratory Corporation of America, LabCorp
Classification: Uncertain significance. Last evaluated: 2022-08-04. Review status: criteria provided, single submitter. Criteria: LabCorp Variant Classification Summary - May 2015. Collection method: clinical testing. Allele origin: germline.

Illumina Laboratory Services, Illumina
Classification: Uncertain significance for Acyl-CoA dehydrogenase 9 deficiency. Last evaluated: 2018-01-13. Review status: criteria provided, single submitter. Criteria: ICSL Variant Classification Criteria 13 December 2019. Collection method: clinical testing. Allele origin: germline.

CeGaT Center for Human Genetics Tuebingen
Classification: Uncertain significance. Last evaluated: 2017-04-01. Review status: criteria provided, single submitter. Criteria: CeGaT Center For Human Genetics Tuebingen Variant Classification Criteria Version 2. Collection method: clinical testing. Allele origin: germline. Affected: yes. Observed: 1 variant allele.

PreventionGenetics, part of Exact Sciences
Classification: Uncertain significance for ACAD9-related condition. Last evaluated: 2023-11-21. Review status: no assertion criteria provided. Collection method: clinical testing. Allele origin: germline. Not counted in ClinVar's aggregate classification.
Comment: The ACAD9 c.928G>A variant is predicted to result in the amino acid substitution p.Val310Ile. To our knowledge, this variant has not been reported in the literature. This variant is reported in 0.14% of alleles in individuals of European (Non-Finnish) descent in gnomAD. Although we suspect that this variant may be benign, at this time, the clinical significance of this variant is uncertain due to the absence of conclusive functional and genetic evidence.

Natera, Inc.
Classification: Likely benign for ACAD9 deficiency. Last evaluated: 2019-11-11. Review status: no assertion criteria provided. Collection method: clinical testing. Allele origin: germline. Not counted in ClinVar's aggregate classification.